The following is an entry in ClinVar:

NM_004612.4(TGFBR1):c.973+19C>A

Gene: TGFBR1 (transforming growth factor beta receptor 1; plus strand). Cytogenetic location: 9q22.33.
Variant type: single nucleotide variant.
Coding change: c.973+19C>A on transcript NM_004612.4 (MANE Select); 19 bases into the intron after coding-DNA position 973, C replaced by A.
Molecular consequence: intron variant.
Genome position (GRCh38, 1-based): chr9:99,142,722, C>A. VCF-style: chr9-99142722-C-A. GRCh37 (hg19) VCF-style: chr9-101905004-C-A.
Other names: c.985+19C>A (NM_001306210.2); c.742+19C>A (NM_001130916.3).
Identifiers: ClinVar variation 496266 (VCV000496266.10), dbSNP rs183796807, ClinGen allele CA043523.
Genomic context (GRCh38, chr9:99,142,722, plus strand): 5'-GCGGTCTTGCCCATCTTCACATGGAGATTGTTGGTACCCAAGGTAATTCTATAAGCAGTT[C>A]TATTATTTAAGCTTTAAATTTTCATGAATAATGTCTATGAAAATAGAAGGTGGAGGCTGG-3'

ClinVar aggregate classification (germline): Likely benign. Review status: criteria provided, multiple submitters, no conflicts (2 of 4 stars). 3 submissions from 3 submitters: Likely benign (3). Last evaluated 2026-01-05.

Conditions:
Familial thoracic aortic aneurysm and aortic dissection (TAAD). Also called: Thoracic aortic aneurysms and dissections. Identifiers: Orphanet 91387, MedGen C4707243, MONDO:0019625.

Allele frequency attached by ClinVar (database versions not stated): ExAC 0.00002; gnomAD exomes 0.00002; ESP Exome Variant Server 0.00023; TOPMed 0.00008; gnomAD 0.00011.
gnomAD v4.1: 68 of 1,613,250 alleles (0.0042%); highest among the groups gnomAD compares: African/African-American, 0.049%; no homozygotes.

Submissions (3):

Labcorp Genetics (formerly Invitae), Labcorp
Classification: Likely benign for Familial thoracic aortic aneurysm and aortic dissection. Last evaluated: 2026-01-05. Review status: criteria provided, single submitter. Criteria: Invitae Variant Classification Sherloc (09022015). Collection method: clinical testing. Allele origin: germline.

Blueprint Genetics
Classification: Likely benign. Last evaluated: 2024-10-16. Review status: criteria provided, single submitter. Criteria: ACMG Guidelines, 2015. Collection method: clinical testing. Allele origin: germline.

Women's Health and Genetics/Laboratory Corporation of America, LabCorp
Classification: Likely benign. Last evaluated: 2017-04-05. Review status: criteria provided, single submitter. Criteria: LabCorp Variant Classification Summary - May 2015. Collection method: clinical testing. Allele origin: germline.
Comment: Variant summary: The TGFBR1 c.973+19C>A variant involves the alteration of a non-conserved intronic nucleotide. One in silico tool predicts a benign outcome for this variant. 5/5 splice prediction tools predict no significant impact on normal splicing. However, these predictions have yet to be confirmed by functional studies. This variant was found in 3/121196 control chromosomes at a frequency of 0.0000248, which is approximately 16 times the estimated maximal expected allele frequency of a pathogenic TGFBR1 variant (0.0000016), suggesting this variant is likely a benign polymorphism. However, due to the small number of occurrences in this database, the population frequency cannot be taken as unequivocal evidence that the variant is benign. The variant of interest has not, to our knowledge, been reported in affected individuals via publications and/or reputable databases/clinical diagnostic laboratories; nor evaluated for functional impact by in vivo/vitro studies. Taken together, this variant is classified as likley benign.